The following is an entry in ClinVar:

ClinVar aggregate classification (germline): Conflicting classifications of pathogenicity. Review status: criteria provided, conflicting classifications (1 of 4 stars). 4 submissions from 4 submitters: Pathogenic (1); Likely pathogenic (1); Uncertain significance (2). Last evaluated 2024-04-01.

Conditions:
Cardiovascular phenotype. Identifiers: MedGen CN230736.
Long QT syndrome (LQTS). Identifiers: MedGen C0023976, MeSH D008133, MONDO:0002442. Disease mechanism: loss of function. Inheritance: Various modes of inheritance.

Allele frequency attached by ClinVar (database versions not stated): gnomAD exomes below 0.00001; ExAC 0.00001; gnomAD 0.00001; TOPMed 0.00001.
gnomAD v4.1: 1 of 1,612,670 alleles (0.000062%); highest among the groups gnomAD compares: African/African-American, 0.0013%; no homozygotes.

Submissions (4):

Labcorp Genetics (formerly Invitae), Labcorp
Classification: Pathogenic for Long QT syndrome. Last evaluated: 2024-04-01. Review status: criteria provided, single submitter. Criteria: Invitae Variant Classification Sherloc (09022015). Collection method: clinical testing. Allele origin: germline.
Comment: This sequence change replaces leucine, which is neutral and non-polar, with proline, which is neutral and non-polar, at codon 233 of the KCNQ1 protein (p.Leu233Pro). This variant is present in population databases (rs780236727, gnomAD 0.007%). This missense change has been observed in individuals with long QT Syndrome (Invitae). ClinVar contains an entry for this variant (Variation ID: 993829). Advanced modeling of protein sequence and biophysical properties (such as structural, functional, and spatial information, amino acid conservation, physicochemical variation, residue mobility, and thermodynamic stability) performed at Invitae indicates that this missense variant is expected to disrupt KCNQ1 protein function with a positive predictive value of 95%. For these reasons, this variant has been classified as Pathogenic.

Ambry Genetics
Classification: Uncertain significance for Cardiovascular phenotype. Last evaluated: 2021-11-17. Review status: criteria provided, single submitter. Criteria: Ambry Variant Classification Scheme 2023. Collection method: clinical testing. Allele origin: germline.
Comment: The p.L233P variant (also known as c.698T>C), located in coding exon 5 of the KCNQ1 gene, results from a T to C substitution at nucleotide position 698. The leucine at codon 233 is replaced by proline, an amino acid with similar properties. This amino acid position is highly conserved in available vertebrate species. In addition, this alteration is predicted to be deleterious by in silico analysis. Since supporting evidence is limited at this time, the clinical significance of this alteration remains unclear.

GeneDx
Classification: Likely pathogenic. Last evaluated: 2020-06-15. Review status: criteria provided, single submitter. Criteria: GeneDx Variant Classification Process June 2021. Collection method: clinical testing. Allele origin: germline. Affected: yes.
Comment: Has not been previously published as pathogenic or benign to our knowledge; Not observed at a significant frequency in large population cohorts (Lek et al., 2016); In silico analysis supports that this missense variant has a deleterious effect on protein structure/function

ARUP Laboratories, Molecular Genetics and Genomics, ARUP Laboratories
Classification: Uncertain significance. Last evaluated: 2019-12-09. Review status: criteria provided, single submitter. Criteria: ARUP Molecular Germline Variant Investigation Process. Collection method: clinical testing. Allele origin: germline.
Comment: The KCNQ1 c.698T>C; p.Leu233Pro variant (rs780236727), to our knowledge, is not reported in the medical literature or gene specific databases. This variant is only observed on one allele in the Genome Aggregation Database, indicating it is not a common polymorphism. The leucine at codon 233 is highly conserved, and computational analyses (SIFT, PolyPhen-2) predict that this variant is deleterious. Due to limited information, the clinical significance of the p.Leu233Pro variant is uncertain at this time.

NM_000218.3(KCNQ1):c.698T>C (p.Leu233Pro)

Gene: KCNQ1 (potassium voltage-gated channel subfamily Q member 1; plus strand). Cytogenetic location: 11p15.5.
Variant type: single nucleotide variant.
Coding change: c.698T>C on transcript NM_000218.3 (MANE Select); coding-DNA position 698, T replaced by C.
Protein change: p.Leu233Pro; replaces leucine 233 with proline.
Molecular consequence: missense variant.
Genome position (GRCh38, 1-based): chr11:2,572,027, T>C. VCF-style: chr11-2572027-T-C. GRCh37 (hg19) VCF-style: chr11-2593257-T-C.
Other names: c.698T>C, p.Leu233Pro (NM_001406836.1); c.428T>C, p.Leu143Pro (NM_001406837.1); c.317T>C, p.Leu106Pro (NM_181798.2); short protein forms L106P, L233P, L143P.
Identifiers: ClinVar variation 993829 (VCV000993829.21), dbSNP rs780236727, ClinGen allele CA040036.